The following is an entry in ClinVar:

NM_014633.5(CTR9):c.2885+4A>G

Gene: CTR9 (CTR9 component of Paf1/RNA polymerase II complex; plus strand). Cytogenetic location: 11p15.4.
Variant type: single nucleotide variant.
Coding change: c.2885+4A>G on transcript NM_014633.5 (MANE Select); 4 bases into the intron after coding-DNA position 2885, A replaced by G.
Molecular consequence: intron variant.
Genome position (GRCh38, 1-based): chr11:10,774,173, A>G. VCF-style: chr11-10774173-A-G. GRCh37 (hg19) VCF-style: chr11-10795720-A-G.
Other names: c.2813+4A>G (NM_001346279.2).
Identifiers: ClinVar variation 3712229 (VCV003712229.2).
Genomic context (GRCh38, chr11:10,774,173, plus strand): 5'-TGAACAAGAAGGTGAAGATGAGGAGGGTGGTGAGAGAAAGAAGAAAAAGAGGAGAAGGTA[A>G]TGTCATCATTAATGTGCTTTAAGTAACCTCATAAAAGTGGTGAAAGACCTTTTACCTTCT-3'

ClinVar aggregate classification (germline): Uncertain significance (1 of 4 stars; one submission).

Submission:

Labcorp Genetics (formerly Invitae), Labcorp
Classification: Uncertain significance. Last evaluated: 2024-02-29. Review status: criteria provided, single submitter. Criteria: Invitae Variant Classification Sherloc (09022015). Collection method: clinical testing. Allele origin: germline.
Comment: This sequence change falls in intron 22 of the CTR9 gene. It does not directly change the encoded amino acid sequence of the CTR9 protein. It affects a nucleotide within the consensus splice site. This variant is present in population databases (rs754719697, gnomAD 0.004%). This variant has not been reported in the literature in individuals affected with CTR9-related conditions. Variants that disrupt the consensus splice site are a relatively common cause of aberrant splicing (PMID: 17576681, 9536098). Algorithms developed to predict the effect of sequence changes on RNA splicing suggest that this variant is not likely to affect RNA splicing. In summary, the available evidence is currently insufficient to determine the role of this variant in disease. Therefore, it has been classified as a Variant of Uncertain Significance.

Literature cited by the submitters: PubMed 17576681; PubMed 9536098.